The following is an entry in ClinVar:

NM_145893.3(RBFOX1):c.68A>G (p.Tyr23Cys)

Gene: RBFOX1 (RNA binding fox-1 homolog 1; plus strand). Cytogenetic location: 16p13.3.
Variant type: single nucleotide variant.
Coding change: c.68A>G on transcript NM_145893.3 (MANE Plus Clinical); coding-DNA position 68, A replaced by G.
Protein change: p.Tyr23Cys; replaces tyrosine 23 with cysteine.
Molecular consequence: missense variant. On other transcripts: intron variant (5).
Genome position (GRCh38, 1-based): chr16:7,333,069, A>G. VCF-style: chr16-7333069-A-G. GRCh37 (hg19) VCF-style: chr16-7383070-A-G.
Other names: c.68A>G, p.Tyr23Cys (NM_145891.3, NM_145892.3); c.28-185078A>G (NM_001364800.2, NM_018723.4, NM_001142333.2 and 1 more transcripts); c.157-185078A>G (NM_001308117.1); short protein forms Y23C.
Identifiers: ClinVar variation 1407313 (VCV001407313.8), dbSNP rs1603623680, ClinGen allele CA394795278.
Genomic context (GRCh38, chr16:7,333,069, plus strand): 5'-CGTCTCAAGGAGTTCTCCTGCATCCTTATGGCGTGCCTATGATTGTACCGGCAGCTCCTT[A>G]CCTTCCTGGACTGATTCAGGTAATTCAAGGCCTCTGCCAGCCAGCAACTTAACTCCAGAG-3'
Protein context (NP_665900.1, residues 13-33): GVPMIVPAAP[Tyr23Cys]LPGLIQGNQE

ClinVar aggregate classification (germline): Uncertain significance (1 of 4 stars; one submission).

Conditions:
Idiopathic generalized epilepsy. Also called: Generalised epilepsy; EIG. Identifiers: MedGen C0270850, MONDO:0005579, OMIM 600669.

Submission:

Labcorp Genetics (formerly Invitae), Labcorp
Classification: Uncertain significance for Idiopathic generalized epilepsy. Last evaluated: 2024-10-15. Review status: criteria provided, single submitter. Criteria: Invitae Variant Classification Sherloc (09022015). Collection method: clinical testing. Allele origin: germline.
Comment: This sequence change replaces tyrosine, which is neutral and polar, with cysteine, which is neutral and slightly polar, at codon 23 of the RBFOX1 protein (p.Tyr23Cys). This variant is not present in population databases (gnomAD no frequency). This variant has not been reported in the literature in individuals affected with RBFOX1-related conditions. ClinVar contains an entry for this variant (Variation ID: 1407313). An algorithm developed to predict the effect of missense changes on protein structure and function (PolyPhen-2) suggests that this variant is likely to be tolerated. In summary, the available evidence is currently insufficient to determine the role of this variant in disease. Therefore, it has been classified as a Variant of Uncertain Significance.